The following is an entry in ClinVar:

NM_000156.6(GAMT):c.581T>C (p.Val194Ala)

Gene: GAMT (guanidinoacetate N-methyltransferase; minus strand). Cytogenetic location: 19p13.3.
Variant type: single nucleotide variant.
Coding change: c.581T>C on transcript NM_000156.6 (MANE Select); coding-DNA position 581, T replaced by C.
Protein change: p.Val194Ala; replaces valine 194 with alanine.
Molecular consequence: missense variant.
Genome position (GRCh38, 1-based): chr19:1,397,489, A>G on the plus strand (T>C on the coding strand, the complement: GAMT is on the minus strand). VCF-style: chr19-1397489-A-G. GRCh37 (hg19) VCF-style: chr19-1397488-A-G.
Other names: p.V194A:GTG>GCG; NM_000156.6(GAMT):c.581T>C; short protein forms V194A.
Identifiers: ClinVar variation 205606 (VCV000205606.78), dbSNP rs147739199, ClinGen allele CA314855.

ClinVar aggregate classification (germline): Benign. Review status: reviewed by expert panel (3 of 4 stars). 14 submissions from 14 submitters: Benign (1). 13 of the submissions do not count toward it. Last evaluated 2026-04-24.

Conditions:
GAMT-related disorder. Also called: GAMT-related condition.
Inborn genetic diseases. Identifiers: MedGen C0950123, MeSH D030342.
Cerebral creatine deficiency syndrome. Also called: Creatine deficiency syndromes. Identifiers: Orphanet 79172, MedGen C5244016, MONDO:0000456.
Deficiency of guanidinoacetate methyltransferase (CCDS2). Also called: CEREBRAL CREATINE DEFICIENCY SYNDROME 2; GAMT DEFICIENCY; Guanidinoacetate Methyltransferase (GAMT) Deficiency. Identifiers: Orphanet 382, MedGen C0574080, MONDO:0012999, OMIM 612736.

Allele frequency attached by ClinVar (database versions not stated): gnomAD 0.00076 and 0.00077; TOPMed 0.00111; 1000 Genomes Project 30x 0.00141; gnomAD exomes 0.00079 and 0.00095; 1000 Genomes Project 0.00100; ESP Exome Variant Server 0.00062; ExAC 0.00068.
gnomAD v4.1: 1,502 of 1,604,838 alleles (0.094%); highest among the groups gnomAD compares: Admixed American, 0.31%; 4 homozygotes.

Submissions (14):

ClinGen Cerebral Creatine Deficiency Syndromes Variant Curation Expert Panel, ClinGen
Classification: Benign for Deficiency of guanidinoacetate methyltransferase. Last evaluated: 2026-04-24. Review status: reviewed by expert panel. Criteria: ClinGen CCDS ACMG Specifications GAMT V2.0.0. Collection method: curation. Allele origin: germline. Inheritance: Autosomal recessive inheritance.
Comment: The NM_000156.6(GAMT):c.581T>C variant in GAMT is predicted to result in the missense substitution of valine by alanine at amino acid 194 (p.Val194Ala). The Total GrpMax filtering allele frequency in gnomAD v4.1.0. is 0.00278 from the Admixed American genetic ancestry group (the lower threshold of the 95% CI of 189/60020 alleles), which is higher than the ClinGen CCDS VCEP's threshold (>0.001) for BS1, and therefore meets this criterion (BS1). In addition, there are 4 homozygotes in gnomAD v4.1.0. (BS2). The computational predictor REVEL gives a score of 0.496 which is neither above nor below the thresholds predicting a damaging (>0.644) or benign (<0.29) impact on GAMT function. SpliceAI predicts that the variant has no impact on splicing. To our knowledge, this variant has not been reported in the literature in any individuals with GAMT deficiency. In summary, this variant meets the criteria to be classified as benign for GAMT deficiency based on the GAMT-specific ACMG/AMP criteria applied, as specified by the ClinGen Cerebral Creatine Deficiency Syndromes Variant Curation Expert Panel (Specifications Version 2.0.0): BS1, BS2. (Classificaiton approved by the ClinGen Cerebral Creatine Deficiency Syndromes Variant Curation Expert Panel on April 24, 2026)

CeGaT Center for Human Genetics Tuebingen
Classification: Likely benign. Last evaluated: 2026-08-01. Review status: criteria provided, single submitter. Criteria: CeGaT Center For Human Genetics Tuebingen Variant Classification Criteria Version 2. Collection method: clinical testing. Allele origin: germline. Affected: yes. Observed: 6 variant alleles. Not counted in ClinVar's aggregate classification.
Comment: GAMT: BP4, BS2

Labcorp Genetics (formerly Invitae), Labcorp
Classification: Likely benign for Cerebral creatine deficiency syndrome. Last evaluated: 2026-01-28. Review status: criteria provided, single submitter. Criteria: Invitae Variant Classification Sherloc (09022015). Collection method: clinical testing. Allele origin: germline. Not counted in ClinVar's aggregate classification.

ARUP Laboratories, Molecular Genetics and Genomics, ARUP Laboratories
Classification: Benign for Deficiency of guanidinoacetate methyltransferase. Last evaluated: 2025-03-31. Review status: criteria provided, single submitter. Criteria: ARUP Molecular Germline Variant Investigation Process 2024. Collection method: clinical testing. Allele origin: germline. Not counted in ClinVar's aggregate classification.

Mayo Clinic Laboratories, Mayo Clinic
Classification: Benign. Last evaluated: 2024-12-27. Review status: criteria provided, single submitter. Criteria: ACMG Guidelines, 2015. Collection method: clinical testing. Allele origin: germline. Observed: 4 variant alleles. Not counted in ClinVar's aggregate classification.
Comment: BA1, BP4

Blueprint Genetics
Classification: Likely benign. Last evaluated: 2024-10-31. Review status: criteria provided, single submitter. Criteria: ACMG Guidelines, 2015. Collection method: clinical testing. Allele origin: germline. Not counted in ClinVar's aggregate classification.

Revvity Omics, Revvity
Classification: Uncertain significance for Deficiency of guanidinoacetate methyltransferase. Last evaluated: 2024-08-30. Review status: criteria provided, single submitter. Criteria: ACMG Guidelines, 2015. Collection method: clinical testing. Allele origin: germline. Not counted in ClinVar's aggregate classification.

Athena Diagnostics
Classification: Likely benign. Last evaluated: 2024-04-04. Review status: criteria provided, single submitter. Criteria: Athena Diagnostics Criteria. Collection method: clinical testing. Allele origin: unknown. Not counted in ClinVar's aggregate classification.

GeneDx
Classification: Likely benign. Last evaluated: 2020-08-19. Review status: criteria provided, single submitter. Criteria: GeneDx Variant Classification Process June 2021. Collection method: clinical testing. Allele origin: germline. Affected: yes. Not counted in ClinVar's aggregate classification.

Illumina Laboratory Services, Illumina
Classification: Uncertain significance for Deficiency of guanidinoacetate methyltransferase. Last evaluated: 2017-04-27. Review status: criteria provided, single submitter. Criteria: ICSL Variant Classification Criteria 13 December 2019. Collection method: clinical testing. Allele origin: germline. Not counted in ClinVar's aggregate classification.

Eurofins Ntd Llc (ga)
Classification: Likely benign. Last evaluated: 2016-11-22. Review status: criteria provided, single submitter. Criteria: EGL Classification Definitions 2015. Collection method: clinical testing. Allele origin: germline. Observed: 1 variant allele, 1 heterozygote. Not counted in ClinVar's aggregate classification.

Ambry Genetics
Classification: Benign for Inborn genetic diseases. Last evaluated: 2016-03-24. Review status: criteria provided, single submitter. Criteria: Ambry Variant Classification Scheme 2023. Collection method: clinical testing. Allele origin: germline. Not counted in ClinVar's aggregate classification.

PreventionGenetics, part of Exact Sciences
Classification: Likely benign for GAMT-related condition. Last evaluated: 2023-02-28. Review status: no assertion criteria provided. Collection method: clinical testing. Allele origin: germline. Not counted in ClinVar's aggregate classification.
Comment: This variant is classified as likely benign based on ACMG/AMP sequence variant interpretation guidelines (Richards et al. 2015 PMID: 25741868, with internal and published modifications).

Natera, Inc.
Classification: Benign for Guanidinoacetate methyltransferase deficiency. Last evaluated: 2019-10-21. Review status: no assertion criteria provided. Collection method: clinical testing. Allele origin: germline. Not counted in ClinVar's aggregate classification.